The following continues an entry in ClinVar:

NM_000059.4(BRCA2):c.250C>T (p.Gln84Ter)

Gene: BRCA2. ClinVar aggregate classification (germline): Pathogenic. Pathogenic (1).

Submissions 10 to 18 of 18:

Women's Health and Genetics/Laboratory Corporation of America, LabCorp
Classification: Pathogenic for Hereditary breast ovarian cancer syndrome. Last evaluated: 2021-08-02. Review status: criteria provided, single submitter. Criteria: LabCorp Variant Classification Summary - May 2015. Collection method: clinical testing. Allele origin: germline. Not counted in ClinVar's aggregate classification.
Comment: Variant summary: BRCA2 c.250C>T (p.Gln84X) results in a premature termination codon, predicted to cause a truncation of the encoded protein or absence of the protein due to nonsense mediated decay, which are commonly known mechanisms for disease. Truncations downstream of this position have been classified as pathogenic by our laboratory. The variant was absent in 251326 control chromosomes. c.250C>T has been reported in the literature in multiple individuals affected with Hereditary Breast And Ovarian Cancer Syndrome (example, Rebbeck_2018). These data indicate that the variant is very likely to be associated with disease. One publication reports experimental evidence evaluating an impact on protein function, however, does not allow convincing conclusions about the variant effect. Multiple clinical diagnostic laboratories, an expert panel (ENIGMA) and a consortium (CIMBA) have submitted clinical-significance assessments for this variant to ClinVar after 2014 without evidence for independent evaluation. All sumbitters classified the variant as pathogenic. Based on the evidence outlined above, the variant was classified as pathogenic.

Quest Diagnostics Nichols Institute San Juan Capistrano
Classification: Pathogenic. Last evaluated: 2021-01-19. Review status: criteria provided, single submitter. Criteria: Quest Diagnostics criteria. Collection method: clinical testing. Allele origin: unknown. Not counted in ClinVar's aggregate classification.
Comment: his nonsense variant causes the premature termination of BRCA2 protein synthesis. In addition, it has been reported in families affected with prostate cancer or breast/ovarian cancer in the published literature (PMID: 18445692 (2008), 21939546 (2011), 29446198 (2018), 30702160 (2019)). Analysis of this variant using software algorithms for the prediction of the effect of nucleotide changes on BRCA2 mRNA splicing yielded predictions that this variant may result in the gain of a cryptic splice site without affecting the natural splice sites . Based on the available information, this variant is classified as pathogenic.

Laboratory for Molecular Medicine, Mass General Brigham Personalized Medicine
Classification: Pathogenic for Hereditary breast ovarian cancer syndrome. Last evaluated: 2019-04-02. Review status: criteria provided, single submitter. Criteria: ACMG Guidelines, 2015. Collection method: clinical testing. Allele origin: germline. Not counted in ClinVar's aggregate classification.
Comment: It was absent from large population studies. This nonsense variant leads to a premature termination codon at position 84, which is predicted to lead to a truncated or absent protein. Loss of function of the BRCA2 gene is an established disease mechanism in autosomal dominant HBOC. In addition, this variant was classified as Pathogenic by the ClinGen-approved ENIGMA expert panel (Variation ID: 51298). In summary, this variant meets criteria to be classified as pathogenic for autosomal dominant HBOC. ACMG/AMP Criteria applied: PVS1, PM2, PS4_Moderate.

Consortium of Investigators of Modifiers of BRCA1/2 (CIMBA), c/o University of Cambridge
Classification: Pathogenic for Breast-ovarian cancer, familial, susceptibility to, 2. Last evaluated: 2015-10-02. Review status: criteria provided, single submitter. Criteria: CIMBA Mutation Classification guidelines May 2016. Collection method: clinical testing. Allele origin: germline. Not counted in ClinVar's aggregate classification.

PreventionGenetics, part of Exact Sciences
Classification: Pathogenic for BRCA2-related condition. Last evaluated: 2024-05-06. Review status: no assertion criteria provided. Collection method: clinical testing. Allele origin: germline. Not counted in ClinVar's aggregate classification.
Comment: The BRCA2 c.250C>T variant is predicted to result in premature protein termination (p.Gln84*). This variant is also referred to as c.478C>T in literature. It has been reported in several individuals with breast or prostate cancer (see for example, Willems et al. 2008. PubMed ID: 18445692; Table S3, Lang et al. 2017. PubMed ID: 28294317; Table 2, Murali et al. 2021. PubMed ID: 34399810). It is interpreted as pathogenic in ClinVar. This variant has not been reported in a large population database, indicating this variant is rare. Nonsense variants in BRCA2 are expected to be pathogenic. This variant is interpreted as pathogenic.

BRCAlab, Lund University
Classification: Pathogenic for Breast-ovarian cancer, familial, susceptibility to, 2. Last evaluated: 2020-03-02. Review status: no assertion criteria provided. Collection method: clinical testing. Allele origin: germline. Affected: yes. Not counted in ClinVar's aggregate classification.

Research Molecular Genetics Laboratory, Women's College Hospital, University of Toronto
Classification: Pathogenic for Hereditary breast ovarian cancer syndrome. Last evaluated: 2014-01-31. Review status: no assertion criteria provided. Collection method: research. Allele origin: germline. Affected: yes. Study: The Canadian Open Genetics Repository (COGR). Not counted in ClinVar's aggregate classification.

Sharing Clinical Reports Project (SCRP)
Classification: Pathogenic for Breast-ovarian cancer, familial 2. Last evaluated: 2011-01-18. Review status: no assertion criteria provided. Collection method: clinical testing. Allele origin: germline. Not counted in ClinVar's aggregate classification.

Breast Cancer Information Core (BIC) (BRCA2)
No classification provided. Condition: Breast-ovarian cancer, familial 2. Review status: no classification provided. Collection method: clinical testing. Allele origin: germline, somatic. Affected: yes. Observed: 6 variant alleles. Not counted in ClinVar's aggregate classification.

Literature cited by the submitters: PubMed 20104584 (cited by Labcorp Genetics (formerly Invitae), Labcorp); PubMed 18445692 (cited by 5 submitters); PubMed 20807450 (cited by 5 submitters); PubMed 20858050 (cited by Labcorp Genetics (formerly Invitae), Labcorp and Ambry Genetics); PubMed 21939546 (cited by 5 submitters); PubMed 22970155 (cited by 6 submitters); PubMed 26681312 (cited by 3 submitters); PubMed 29446198 (cited by 5 submitters); PubMed 30720863 (cited by Color Diagnostics, LLC DBA Color Health and Ambry Genetics); PubMed 31090900 (cited by Color Diagnostics, LLC DBA Color Health and Ambry Genetics); PubMed 31853058 (cited by Color Diagnostics, LLC DBA Color Health); PubMed 33471991 (cited by Color Diagnostics, LLC DBA Color Health); PubMed 15994883 (cited by Victorian Clinical Genetics Services, Murdoch Childrens Research Institute); PubMed 20301425 (cited by Victorian Clinical Genetics Services, Murdoch Childrens Research Institute); PubMed 14559878 (cited by Victorian Clinical Genetics Services, Murdoch Childrens Research Institute); PubMed 28294317 (cited by Ambry Genetics and Laboratory for Molecular Medicine, Mass General Brigham Personalized Medicine); PubMed 29422015 (cited by Ambry Genetics); PubMed 30702160 (cited by Quest Diagnostics Nichols Institute San Juan Capistrano); PubMed 26295337 (cited by Quest Diagnostics Nichols Institute San Juan Capistrano).